The following is an entry in ClinVar:

ClinVar aggregate classification (germline): Benign/Likely benign. Review status: criteria provided, multiple submitters, no conflicts (2 of 4 stars). 6 submissions from 6 submitters: Benign (1); Likely benign (5). Last evaluated 2025-12-01.

Conditions:
Nephrotic syndrome, type 22. Identifiers: MedGen C5436909, MONDO:0030895, OMIM 619155.
Cardiac arrhythmia. Also called: Arrhythmia; Cardiac rhythm disease. Identifiers: MedGen C0003811, MONDO:0007263, HP:0011675.

Allele frequency attached by ClinVar (database versions not stated): gnomAD 0.00487 and 0.00513; gnomAD exomes 0.00529 and 0.00751; ESP Exome Variant Server 0.00538; 1000 Genomes Project 30x 0.00203; 1000 Genomes Project 0.00160; TOPMed 0.00507; ExAC 0.00568.
gnomAD v4.1: 11,665 of 1,613,226 alleles (0.72%); highest among the groups gnomAD compares: Non-Finnish European, 0.89%; 49 homozygotes.

Submissions (6):

CeGaT Center for Human Genetics Tuebingen
Classification: Likely benign. Last evaluated: 2025-12-01. Review status: criteria provided, single submitter. Criteria: CeGaT Center For Human Genetics Tuebingen Variant Classification Criteria Version 2. Collection method: clinical testing. Allele origin: germline. Affected: yes. Observed: 4 variant alleles.
Comment: NOS1AP: BP4, BP7, BS2

Blueprint Genetics
Classification: Likely benign. Last evaluated: 2024-11-25. Review status: criteria provided, single submitter. Criteria: ACMG Guidelines, 2015. Collection method: clinical testing. Allele origin: germline.

Fulgent Genetics
Classification: Likely benign for Nephrotic syndrome, type 22. Last evaluated: 2022-02-03. Review status: criteria provided, single submitter. Criteria: ACMG Guidelines, 2015. Collection method: clinical testing. Allele origin: unknown.

Labcorp Genetics (formerly Invitae), Labcorp
Classification: Benign. Last evaluated: 2019-12-31. Review status: criteria provided, single submitter. Criteria: Invitae Variant Classification Sherloc (09022015). Collection method: clinical testing. Allele origin: germline.

Women's Health and Genetics/Laboratory Corporation of America, LabCorp
Classification: Likely benign for Arrhythmia. Last evaluated: 2011-08-18. Review status: criteria provided, single submitter. Criteria: LabCorp Variant Classification Summary - May 2015. Collection method: curation. Allele origin: germline. Inheritance: autosomal unknown. Affected: yes.
ClinVar note: Converted during submission from likely benign to Likely benign.

Breakthrough Genomics
Classification: Likely benign. Review status: criteria provided, single submitter. Criteria: ACMG Guidelines, 2015. Collection method: not provided. Allele origin: germline. Inheritance: Autosomal recessive inheritance. Affected: yes.

NM_014697.3(NOS1AP):c.864C>T (p.Ser288=)

Gene: NOS1AP (nitric oxide synthase 1 adaptor protein; plus strand). Cytogenetic location: 1q23.3.
Variant type: single nucleotide variant.
Coding change: c.864C>T on transcript NM_014697.3 (MANE Select); coding-DNA position 864, C replaced by T.
Protein change: p.Ser288=; no amino-acid change (serine 288 retained).
Molecular consequence: synonymous variant.
Genome position (GRCh38, 1-based): chr1:162,357,061, C>T. VCF-style: chr1-162357061-C-T. GRCh37 (hg19) VCF-style: chr1-162326851-C-T.
Other names: c.849C>T, p.Ser283= (NM_001164757.2).
Identifiers: ClinVar variation 36662 (VCV000036662.34), dbSNP rs77473623, ClinGen allele CA214184.